The following is an entry in ClinVar:

NM_006618.5(KDM5B):c.3610G>A (p.Val1204Met)

Gene: KDM5B (lysine demethylase 5B; minus strand). Cytogenetic location: 1q32.1.
Variant type: single nucleotide variant.
Coding change: c.3610G>A on transcript NM_006618.5 (MANE Select); coding-DNA position 3610, G replaced by A.
Protein change: p.Val1204Met; replaces valine 1204 with methionine.
Molecular consequence: missense variant.
Genome position (GRCh38, 1-based): chr1:202,733,700, C>T on the plus strand (G>A on the coding strand, the complement: KDM5B is on the minus strand). VCF-style: chr1-202733700-C-T. GRCh37 (hg19) VCF-style: chr1-202702828-C-T.
Other names: c.3718G>A, p.Val1240Met (NM_001314042.2); c.3475G>A, p.Val1159Met (NM_001347591.2); c.3595G>A, p.Val1199Met (NM_001399817.1); short protein forms V1159M, V1199M, V1204M, V1240M.
Identifiers: ClinVar variation 3376851 (VCV003376851.1).

ClinVar aggregate classification (germline): Uncertain significance (1 of 4 stars; one submission).

Conditions:
Neurodevelopmental disorder. Identifiers: MedGen C1535926, MeSH D065886, MONDO:0700092.

gnomAD v4.1: 1 of 1,614,134 alleles (0.000062%); highest among the groups gnomAD compares: Non-Finnish European, 0.000085%; no homozygotes.

Submission:

Victorian Clinical Genetics Services, Murdoch Childrens Research Institute
Classification: Uncertain significance for Neurodevelopmental disorder. Last evaluated: 2023-12-21. Review status: criteria provided, single submitter. Criteria: ACMG Guidelines, 2015. Collection method: clinical testing. Allele origin: germline. Inheritance: Autosomal dominant inheritance. Affected: yes.
Comment: Based on the classification scheme VCGS_Germline_v1.3.4, this variant is classified as VUS-3B. Following criteria are met: 0102 - Loss of function is a known mechanism of disease in this gene and is associated with autosomal recessive intellectual disability 65 (MIM#618109) and autosomal dominant neurodevelopmental disorder (MONDO:0700092), KDM5B-related. (I) 0108 - This gene is associated with both recessive and dominant disease. Biallelic pathogenic variants are associated with a more severe, syndromic intellectual disability (PMID: 29276005; DECIPHER). Individuals with heterozygous variants have also been reported, with developmental delay, intellectual disability and/or autistic features (PMIDs: 29276005, 30217758, 30409806). (I) 0112 - The condition associated with this gene has incomplete penetrance. While the recessive condition is fully penetrant, incomplete penetrance has been suggested for the autosomal dominant condition, where unaffected carriers of loss of function variants have been reported (PMIDs: 30217758, 30409806). (I) 0200 - Variant is predicted to result in a missense amino acid change from valine to methionine. (I) 0251 - This variant is heterozygous. (I) 0301 - Variant is absent from gnomAD (both v2 and v3). (SP) 0309 - An alternative amino acid change at the same position has been observed in gnomAD (v3) (2 heterozygotes, 0 homozygotes). (I) 0501 - Missense variant consistently predicted to be damaging by multiple in silico tools or highly conserved with a major amino acid change. (SP) 0600 - Variant is located in the annotated PHD-finger domain (DECIPHER). (I) 0705 - No comparable missense variants have previous evidence for pathogenicity. (I) 0807 - This variant has no previous evidence of pathogenicity. (I) 0905 - No published segregation evidence has been identified for this variant. (I) 1007 - No published functional evidence has been identified for this variant. (I) 1208 - Inheritance information for this variant is not currently available in this individual. (I) Legend: (SP) - Supporting pathogenic, (I) - Information, (SB) - Supporting benign

Literature cited by the submitters: PubMed 29276005; PubMed 30217758; PubMed 30409806.